The following is an entry in ClinVar:

ClinVar aggregate classification (germline): Uncertain significance (1 of 4 stars; one submission).

Conditions:
Combined immunodeficiency due to STK4 deficiency (IMD110). Also called: STK4 DEFICIENCY; MST1 DEFICIENCY; T-cell immunodeficiency, recurrent infections, and autoimmunity with or without cardiac malformations. Identifiers: Orphanet 314689, MedGen C3553943, MONDO:0013934, OMIM 614868.

Allele frequency attached by ClinVar (database versions not stated): gnomAD exomes below 0.00001.
gnomAD v4.1: 1 of 1,614,098 alleles (0.000062%); highest among the groups gnomAD compares: Non-Finnish European, 0.000085%; no homozygotes.

Submission:

Labcorp Genetics (formerly Invitae), Labcorp
Classification: Uncertain significance for Combined immunodeficiency due to STK4 deficiency. Last evaluated: 2022-08-23. Review status: criteria provided, single submitter. Criteria: Invitae Variant Classification Sherloc (09022015). Collection method: clinical testing. Allele origin: germline.
Comment: In summary, the available evidence is currently insufficient to determine the role of this variant in disease. Therefore, it has been classified as a Variant of Uncertain Significance. Advanced modeling of protein sequence and biophysical properties (such as structural, functional, and spatial information, amino acid conservation, physicochemical variation, residue mobility, and thermodynamic stability) performed at Invitae indicates that this missense variant is not expected to disrupt STK4 protein function. ClinVar contains an entry for this variant (Variation ID: 949595). This variant has not been reported in the literature in individuals affected with STK4-related conditions. This variant is not present in population databases (gnomAD no frequency). This sequence change replaces methionine, which is neutral and non-polar, with arginine, which is basic and polar, at codon 368 of the STK4 protein (p.Met368Arg).

NM_006282.5(STK4):c.1103T>G (p.Met368Arg)

Gene: STK4 (serine/threonine kinase 4; plus strand). Cytogenetic location: 20q13.12.
Variant type: single nucleotide variant.
Coding change: c.1103T>G on transcript NM_006282.5 (MANE Select); coding-DNA position 1103, T replaced by G.
Protein change: p.Met368Arg; replaces methionine 368 with arginine.
Molecular consequence: missense variant.
Genome position (GRCh38, 1-based): chr20:45,001,309, T>G. VCF-style: chr20-45001309-T-G. GRCh37 (hg19) VCF-style: chr20-43629950-T-G.
Other names: c.1103T>G, p.Met368Arg (NM_001352385.2); short protein forms M368R.
Identifiers: ClinVar variation 949595 (VCV000949595.8), dbSNP rs2067836523, ClinGen allele CA409126953.